The following is an entry in ClinVar:

NM_000051.4(ATM):c.5445C>A (p.Asp1815Glu)

Gene: ATM (ATM serine/threonine kinase; plus strand). Cytogenetic location: 11q22.3.
Variant type: single nucleotide variant.
Coding change: c.5445C>A on transcript NM_000051.4 (MANE Select); coding-DNA position 5445, C replaced by A.
Protein change: p.Asp1815Glu; replaces aspartic acid 1815 with glutamic acid.
Molecular consequence: missense variant.
Genome position (GRCh38, 1-based): chr11:108,302,978, C>A. VCF-style: chr11-108302978-C-A. GRCh37 (hg19) VCF-style: chr11-108173705-C-A.
Other names: c.5445C>A, p.Asp1815Glu (NM_001351834.2); short protein forms D1815E.
Identifiers: ClinVar variation 2125329 (VCV002125329.5), dbSNP rs1555106518, ClinGen allele CA382544184.

ClinVar aggregate classification (germline): Uncertain significance. Review status: criteria provided, multiple submitters, no conflicts (2 of 4 stars). 2 submissions from 2 submitters: Uncertain significance (2). Last evaluated 2024-04-25.

Conditions:
Ataxia-telangiectasia syndrome (AT). Also called: Cerebello-oculocutaneous telangiectasia; Immunodeficiency with ataxia telangiectasia; Ataxia-telangiectasia, complementation group D; Ataxia telangiectasia (A-T); ATAXIA-TELANGIECTASIA, COMPLEMENTATION GROUP A; ATAXIA-TELANGIECTASIA, FRESNO VARIANT. Identifiers: Orphanet 100, MedGen C0004135, MONDO:0008840, OMIM 208900.
Familial cancer of breast. Also called: BREAST CANCER, FAMILIAL; Hereditary breast cancer; hereditary breast carcinoma. Identifiers: Orphanet 227535, MedGen C0346153, MONDO:0016419, OMIM 114480. Disease mechanism: loss of function.

Submissions (2):

Fulgent Genetics
Classification: Uncertain significance for Familial cancer of breast; Ataxia-telangiectasia syndrome. Last evaluated: 2024-04-25. Review status: criteria provided, single submitter. Criteria: ACMG Guidelines, 2015. Collection method: clinical testing. Allele origin: germline.

Labcorp Genetics (formerly Invitae), Labcorp
Classification: Uncertain significance for Ataxia-telangiectasia syndrome. Last evaluated: 2022-04-12. Review status: criteria provided, single submitter. Criteria: Invitae Variant Classification Sherloc (09022015). Collection method: clinical testing. Allele origin: germline.
Comment: In summary, the available evidence is currently insufficient to determine the role of this variant in disease. Therefore, it has been classified as a Variant of Uncertain Significance. Advanced modeling of protein sequence and biophysical properties (such as structural, functional, and spatial information, amino acid conservation, physicochemical variation, residue mobility, and thermodynamic stability) performed at Invitae indicates that this missense variant is not expected to disrupt ATM protein function. This variant has not been reported in the literature in individuals affected with ATM-related conditions. This variant is not present in population databases (gnomAD no frequency). This sequence change replaces aspartic acid, which is acidic and polar, with glutamic acid, which is acidic and polar, at codon 1815 of the ATM protein (p.Asp1815Glu).